The following is an entry in ClinVar:

ClinVar aggregate classification (germline): Uncertain significance (1 of 4 stars; one submission).

Conditions:
Intellectual developmental disorder, autosomal dominant 1. Also called: MBD5 Haploinsufficiency; Intellectual disability, autosomal dominant 1. Identifiers: Orphanet 228402, MedGen C1969562, MONDO:0007974, OMIM 156200.

gnomAD v4.1: 5 of 1,613,576 alleles (0.00031%); highest among the groups gnomAD compares: Non-Finnish European, 0.00042%; no homozygotes.

Submission:

Labcorp Genetics (formerly Invitae), Labcorp
Classification: Uncertain significance for Intellectual developmental disorder, autosomal dominant 1. Last evaluated: 2025-09-27. Review status: criteria provided, single submitter. Criteria: Invitae Variant Classification Sherloc (09022015). Collection method: clinical testing. Allele origin: germline.
Comment: This sequence change replaces proline, which is neutral and non-polar, with threonine, which is neutral and polar, at codon 1484 of the MBD5 protein (p.Pro1484Thr). This variant is not present in population databases (gnomAD no frequency). This variant has not been reported in the literature in individuals affected with MBD5-related conditions. Experimental studies and prediction algorithms are not available or were not evaluated, and the functional significance of this variant is currently unknown. In summary, the available evidence is currently insufficient to determine the role of this variant in disease. Therefore, it has been classified as a Variant of Uncertain Significance.

NM_001378120.1(MBD5):c.5149C>A (p.Pro1717Thr)

Gene: MBD5 (methyl-CpG binding domain protein 5; plus strand). Cytogenetic location: 2q23.1.
Variant type: single nucleotide variant.
Coding change: c.5149C>A on transcript NM_001378120.1 (MANE Select); coding-DNA position 5149, C replaced by A.
Protein change: p.Pro1717Thr; replaces proline 1717 with threonine.
Molecular consequence: missense variant.
Genome position (GRCh38, 1-based): chr2:148,512,906, C>A. VCF-style: chr2-148512906-C-A. GRCh37 (hg19) VCF-style: chr2-149270475-C-A.
Other names: c.5188C>A, p.Pro1730Thr (NM_001438854.1); c.4489C>A, p.Pro1497Thr (NM_001438855.1); c.5149C>A, p.Pro1717Thr (NM_001438856.1, NM_001438857.1, NM_001438858.1); c.4450C>A, p.Pro1484Thr (NM_001438859.1, NM_001438860.1, NM_001438861.1 and 2 more transcripts); short protein forms P1497T, P1717T, P1484T, P1730T.
Identifiers: ClinVar variation 4749896 (VCV004749896.1).